The following is an entry in ClinVar:

NM_004517.4(ILK):c.398G>A (p.Gly133Glu)

Genes: ILK (integrin linked kinase; plus strand), TAF10 (TATA-box binding protein associated factor 10; minus strand). Cytogenetic location: 11p15.4.
Variant type: single nucleotide variant.
Coding change: c.398G>A on transcript NM_004517.4 (MANE Select); coding-DNA position 398, G replaced by A.
Protein change: p.Gly133Glu; replaces glycine 133 with glutamic acid.
Molecular consequence: missense variant. On other transcripts: 5 prime UTR variant (1), 3 prime UTR variant (1), intron variant (1).
Genome position (GRCh38, 1-based): chr11:6,608,740, G>A. VCF-style: chr11-6608740-G-A. GRCh37 (hg19) VCF-style: chr11-6629970-G-A.
Other names: c.398G>A, p.Gly133Glu (NM_001014794.3, NM_001014795.3); c.-5G>A (NM_001278442.2); c.*2182C>T (NM_006284.4); c.352-144G>A (NM_001278441.2); short protein forms G133E.
Identifiers: ClinVar variation 4858448 (VCV004858448.1).

ClinVar aggregate classification (germline): Uncertain significance (1 of 4 stars; one submission).

Submission:

Ambry Genetics
Classification: Uncertain significance. Last evaluated: 2026-05-14. Review status: criteria provided, single submitter. Criteria: Ambry Variant Classification Scheme 2023. Collection method: clinical testing. Allele origin: germline.
Comment: The p.G133E variant (also known as c.398G>A), located in coding exon 4 of the ILK gene, results from a G to A substitution at nucleotide position 398. The glycine at codon 133 is replaced by glutamic acid, an amino acid with similar properties. This amino acid position is conserved. In addition, this alteration is predicted to be deleterious by in silico analysis. Based on the available evidence, the clinical significance of this variant remains unclear.